The following is an entry in ClinVar:

ClinVar aggregate classification (germline): Benign. Review status: criteria provided, multiple submitters, no conflicts (2 of 4 stars). 2 submissions from 2 submitters: Benign (2). Last evaluated 2018-06-14.

Allele frequency attached by ClinVar (database versions not stated): 1000 Genomes Project 0.79553; 1000 Genomes Project 30x 0.79888; TOPMed 0.86009; gnomAD 0.86698 and 0.87344.
gnomAD v4.1: 131,455 of 151,638 alleles (87%); highest among the groups gnomAD compares: Non-Finnish European, 90%; 57,263 homozygotes.

Submissions (2):

GeneDx
Classification: Benign. Last evaluated: 2018-06-14. Review status: criteria provided, single submitter. Criteria: GeneDx Variant Classification (06012015). Collection method: clinical testing. Allele origin: germline. Affected: yes.
Comment: This variant is considered likely benign or benign based on one or more of the following criteria: it is a conservative change, it occurs at a poorly conserved position in the protein, it is predicted to be benign by multiple in silico algorithms, and/or has population frequency not consistent with disease.

Breakthrough Genomics
Classification: Benign. Review status: criteria provided, single submitter. Criteria: ACMG Guidelines, 2015. Collection method: not provided. Allele origin: germline. Inheritance: Autosomal recessive inheritance. Affected: yes.

NM_030962.4(SBF2):c.4932+216G>A

Genes: SBF2 (SET binding factor 2; minus strand), SBF2-AS1 (SBF2 antisense RNA 1; plus strand), LOC105369149 (uncharacterized LOC105369149; plus strand). Cytogenetic location: 11p15.4.
Variant type: single nucleotide variant.
Coding change: c.4932+216G>A on transcript NM_030962.4 (MANE Select); 216 bases into the intron after coding-DNA position 4932, G replaced by A.
Molecular consequence: intron variant.
Genome position (GRCh38, 1-based): chr11:9,788,893, C>T on the plus strand (G>A on the coding strand, the complement: SBF2 is on the minus strand). VCF-style: chr11-9788893-C-T. GRCh37 (hg19) VCF-style: chr11-9810440-C-T.
Other names: c.4803+216G>A (NM_001386342.1); c.5028+216G>A (NM_001386339.1).
Identifiers: ClinVar variation 669268 (VCV000669268.2), dbSNP rs360132, ClinGen allele CA217608322.
Genomic context (GRCh38, chr11:9,788,893, plus strand): 5'-CTGACCTTGTGATCTGCCCGCCTCAGCCTCCCAAACTGCTGGGATTACAGGCGTGAGCCA[C>T]CGCGCCAGGCTGGAAAATCACTTTTATTGAGACTCTTTTCCAGTAGTGAAGCCTGGTCCC-3'